The following is an entry in ClinVar:

NM_001283009.2(RTEL1):c.3614C>T (p.Ser1205Phe)

Genes: RTEL1 (regulator of telomere elongation helicase 1; plus strand), RTEL1-TNFRSF6B (RTEL1-TNFRSF6B readthrough (NMD candidate); plus strand). Cytogenetic location: 20q13.33.
Variant type: single nucleotide variant.
Coding change: c.3614C>T on transcript NM_001283009.2 (MANE Select); coding-DNA position 3614, C replaced by T.
Protein change: p.Ser1205Phe; replaces serine 1205 with phenylalanine.
Molecular consequence: missense variant. On other transcripts: non-coding transcript variant (1).
Genome position (GRCh38, 1-based): chr20:63,695,442, C>T. VCF-style: chr20-63695442-C-T. GRCh37 (hg19) VCF-style: chr20-62326795-C-T.
Other names: c.2945C>T, p.Ser982Phe (NM_001283010.1); c.3614C>T, p.Ser1205Phe (NM_016434.4); c.3686C>T, p.Ser1229Phe (NM_032957.5); short protein forms S1229F, S1205F, S982F.
Identifiers: ClinVar variation 2566303 (VCV002566303.5), dbSNP rs768665929, ClinGen allele CA9966139.
Genomic context (GRCh38, chr20:63,695,442, plus strand): 5'-TTAGACAGAGGCCAGCAGGGACTGTGGGGGCGGGCGGTGAGGATGCAGGTCCCAGCCAGT[C>T]CTCAGGACCTCCCCACGGGCCTGCAGCATCTGAGTGGGGTGAGCCTCATGGGAGAGACAT-3'
Protein context (NP_001269938.1, residues 1195-1215): AGGEDAGPSQ[Ser1205Phe]SGPPHGPAAS

ClinVar aggregate classification (germline): Uncertain significance. Review status: criteria provided, multiple submitters, no conflicts (2 of 4 stars). 2 submissions from 2 submitters: Uncertain significance (2). Last evaluated 2024-07-21.

Conditions:
Inborn genetic diseases. Identifiers: MedGen C0950123, MeSH D030342.
Pulmonary fibrosis and/or bone marrow failure, Telomere-related, 3. Also called: PULMONARY FIBROSIS AND/OR BONE MARROW FAILURE SYNDROME, TELOMERE-RELATED, 3. Identifiers: Orphanet 2032, MedGen C4225346, MONDO:0014613, OMIM 616373.
Dyskeratosis congenita, autosomal recessive 5 (DKCB5). Identifiers: MedGen C3554656, MONDO:0014076, OMIM 615190.

Allele frequency attached by ClinVar (database versions not stated): ExAC 0.00001; gnomAD 0.00001; TOPMed 0.00005.
gnomAD v4.1: 10 of 1,580,906 alleles (0.00063%); highest among the groups gnomAD compares: East Asian, 0.0022%; no homozygotes.

Submissions (2):

Labcorp Genetics (formerly Invitae), Labcorp
Classification: Uncertain significance for Dyskeratosis congenita, autosomal recessive 5; Pulmonary fibrosis and/or bone marrow failure, Telomere-related, 3. Last evaluated: 2024-07-21. Review status: criteria provided, single submitter. Criteria: Invitae Variant Classification Sherloc (09022015). Collection method: clinical testing. Allele origin: germline.
Comment: This sequence change replaces serine, which is neutral and polar, with phenylalanine, which is neutral and non-polar, at codon 1205 of the RTEL1 protein (p.Ser1205Phe). This variant is present in population databases (rs768665929, gnomAD 0.004%). This variant has not been reported in the literature in individuals affected with RTEL1-related conditions. ClinVar contains an entry for this variant (Variation ID: 2566303). An algorithm developed to predict the effect of missense changes on protein structure and function (PolyPhen-2) suggests that this variant is likely to be tolerated. In summary, the available evidence is currently insufficient to determine the role of this variant in disease. Therefore, it has been classified as a Variant of Uncertain Significance.

Ambry Genetics
Classification: Uncertain significance for Inborn genetic diseases. Last evaluated: 2023-03-29. Review status: criteria provided, single submitter. Criteria: Ambry Variant Classification Scheme 2023. Collection method: clinical testing. Allele origin: germline.
Comment: The p.S1229F variant (also known as c.3686C>T), located in coding exon 33 of the RTEL1 gene, results from a C to T substitution at nucleotide position 3686. The serine at codon 1229 is replaced by phenylalanine, an amino acid with highly dissimilar properties. This amino acid position is conserved. In addition, this alteration is predicted to be tolerated by in silico analysis. Since supporting evidence is limited at this time, the clinical significance of this alteration remains unclear.